The following is an entry in ClinVar:

ClinVar aggregate classification (germline): Pathogenic (1 of 4 stars; one submission).

Submission:

Labcorp Genetics (formerly Invitae), Labcorp
Classification: Pathogenic. Last evaluated: 2021-03-08. Review status: criteria provided, single submitter. Criteria: Invitae Variant Classification Sherloc (09022015). Collection method: clinical testing. Allele origin: germline.
Comment: For these reasons, this variant has been classified as Pathogenic. This variant has not been reported in the literature in individuals with COL4A5-related conditions. This variant is not present in population databases (ExAC no frequency). This sequence change creates a premature translational stop signal (p.Pro1341Aspfs*29) in the COL4A5 gene. It is expected to result in an absent or disrupted protein product. Loss-of-function variants in COL4A5 are known to be pathogenic (PMID: 9195222, 10752524, 14514738, 24854265, 26809805).

Literature cited by the submitters: PubMed 9195222; PubMed 10752524; PubMed 14514738; PubMed 24854265; PubMed 26809805.

NM_033380.3(COL4A5):c.4038_4041del (p.Pro1347fs)

Gene: COL4A5 (collagen type IV alpha 5 chain; plus strand). Cytogenetic location: Xq22.3.
Variant type: Deletion.
Coding change: c.4038_4041del on transcript NM_033380.3 (MANE Select); coding-DNA positions 4038 to 4041, 4 bases deleted (ACCT; older notation c.4038_4041delACCT).
Protein change: p.Pro1347fs; shifts the reading frame from proline 1347.
Molecular consequence: frameshift variant.
Genome position (GRCh38, 1-based): chrX:108,680,907-108,680,910, ACCT deleted; deleting any 4 consecutive bases within chrX:108,680,906-108,680,910 gives the same sequence; the c. name uses the placement nearest the transcript's 3' end. VCF-style (leftmost placement, unchanged base first): chrX-108680905-GTACC-G. GRCh37 (hg19) VCF-style: chrX-107924135-GTACC-G.
Other names: c.4020_4023del, p.Pro1341fs (NM_000495.5); short protein forms P1341fs, P1347fs.
Identifiers: ClinVar variation 1373429 (VCV001373429.6), dbSNP rs2147980410, ClinGen allele CA2573159122.